The following is an entry in ClinVar:

ClinVar aggregate classification (germline): Uncertain significance (1 of 4 stars; one submission).

Conditions:
T-B+ severe combined immunodeficiency due to JAK3 deficiency. Also called: SCID, autosomal recessive, T-negative/B-positive type; SCID, T CELL-NEGATIVE, B CELL-POSITIVE, NK CELL-NEGATIVE. Identifiers: Orphanet 35078, MedGen C1833275, MONDO:0010938, OMIM 600802.

Allele frequency attached by ClinVar (database versions not stated): TOPMed below 0.00001; gnomAD exomes 0.00001.
gnomAD v4.1: 9 of 1,612,268 alleles (0.00056%); highest among the groups gnomAD compares: Non-Finnish European, 0.00076%; no homozygotes.

Submission:

Labcorp Genetics (formerly Invitae), Labcorp
Classification: Uncertain significance for T-B+ severe combined immunodeficiency due to JAK3 deficiency. Last evaluated: 2023-12-07. Review status: criteria provided, single submitter. Criteria: Invitae Variant Classification Sherloc (09022015). Collection method: clinical testing. Allele origin: germline.
Comment: This sequence change replaces alanine, which is neutral and non-polar, with serine, which is neutral and polar, at codon 385 of the JAK3 protein (p.Ala385Ser). The frequency data for this variant in the population databases is considered unreliable, as metrics indicate poor data quality at this position in the gnomAD database. This missense change has been observed in individual(s) with primary immunodeficiencies (PMID: 24139496). ClinVar contains an entry for this variant (Variation ID: 1372990). Advanced modeling of protein sequence and biophysical properties (such as structural, functional, and spatial information, amino acid conservation, physicochemical variation, residue mobility, and thermodynamic stability) performed at Invitae indicates that this missense variant is not expected to disrupt JAK3 protein function with a negative predictive value of 80%. In summary, the available evidence is currently insufficient to determine the role of this variant in disease. Therefore, it has been classified as a Variant of Uncertain Significance.

Literature cited by the submitters: PubMed 24139496.

NM_000215.4(JAK3):c.1153G>T (p.Ala385Ser)

Gene: JAK3 (Janus kinase 3; minus strand). Cytogenetic location: 19p13.11.
Variant type: single nucleotide variant.
Coding change: c.1153G>T on transcript NM_000215.4 (MANE Select); coding-DNA position 1153, G replaced by T.
Protein change: p.Ala385Ser; replaces alanine 385 with serine.
Molecular consequence: missense variant.
Genome position (GRCh38, 1-based): chr19:17,840,331, C>A on the plus strand (G>T on the coding strand, the complement: JAK3 is on the minus strand). VCF-style: chr19-17840331-C-A. GRCh37 (hg19) VCF-style: chr19-17951140-C-A.
Other names: short protein forms A385S.
Identifiers: ClinVar variation 1372990 (VCV001372990.4), dbSNP rs968177323, ClinGen allele CA306137331.